The following is an entry in ClinVar:

ClinVar aggregate classification (germline): Uncertain significance (1 of 4 stars; one submission).

Allele frequency attached by ClinVar (database versions not stated): gnomAD 0.00001.
gnomAD v4.1: 2 of 1,610,194 alleles (0.00012%); highest among the groups gnomAD compares: African/African-American, 0.0013%; no homozygotes.

Submission:

Labcorp Genetics (formerly Invitae), Labcorp
Classification: Uncertain significance. Last evaluated: 2023-02-03. Review status: criteria provided, single submitter. Criteria: Invitae Variant Classification Sherloc (09022015). Collection method: clinical testing. Allele origin: germline.
Comment: This sequence change replaces serine, which is neutral and polar, with asparagine, which is neutral and polar, at codon 197 of the ITPR1 protein (p.Ser197Asn). This variant is not present in population databases (gnomAD no frequency). In summary, the available evidence is currently insufficient to determine the role of this variant in disease. Therefore, it has been classified as a Variant of Uncertain Significance. This variant has not been reported in the literature in individuals affected with ITPR1-related conditions. Advanced modeling of protein sequence and biophysical properties (such as structural, functional, and spatial information, amino acid conservation, physicochemical variation, residue mobility, and thermodynamic stability) performed at Invitae indicates that this missense variant is not expected to disrupt ITPR1 protein function.

NM_001378452.1(ITPR1):c.590G>A (p.Ser197Asn)

Gene: ITPR1 (inositol 1,4,5-trisphosphate receptor type 1; plus strand). Cytogenetic location: 3p26.1.
Variant type: single nucleotide variant.
Coding change: c.590G>A on transcript NM_001378452.1 (MANE Select); coding-DNA position 590, G replaced by A.
Protein change: p.Ser197Asn; replaces serine 197 with asparagine.
Molecular consequence: missense variant.
Genome position (GRCh38, 1-based): chr3:4,644,200, G>A. VCF-style: chr3-4644200-G-A. GRCh37 (hg19) VCF-style: chr3-4685884-G-A.
Other names: c.590G>A, p.Ser197Asn (NM_001099952.4, NM_001168272.2, NM_002222.7); short protein forms S197N.
Identifiers: ClinVar variation 2896319 (VCV002896319.3), dbSNP rs2093402454, ClinGen allele CA351635713.
Genomic context (GRCh38, chr3:4,644,200, plus strand): 5'-TCATAGGTGACAAGGTGGTTCTGAACCCCGTCAATGCTGGTCAGCCCCTACATGCTAGCA[G>A]CCATCAACTGGTAGATAACCCAGGCTGCAATGAGGTAAGGACATTGAGTTATGTGTGTGG-3'
Protein context (NP_001365381.1, residues 187-207): VNAGQPLHAS[Ser197Asn]HQLVDNPGCN